The following is an entry in ClinVar:

NM_001321142.2(CIDEC):c.639C>T (p.Leu213=)

Gene: CIDEC (cell death inducing DFFA like effector c; minus strand). Cytogenetic location: 3p25.3.
Variant type: single nucleotide variant.
Coding change: c.639C>T on transcript NM_001321142.2 (MANE Select); coding-DNA position 639, C replaced by T.
Protein change: p.Leu213=; no amino-acid change (leucine 213 retained).
Molecular consequence: synonymous variant.
Genome position (GRCh38, 1-based): chr3:9,867,212, G>A on the plus strand (C>T on the coding strand, the complement: CIDEC is on the minus strand). VCF-style: chr3-9867212-G-A. GRCh37 (hg19) VCF-style: chr3-9908896-G-A.
Other names: c.669C>T, p.Leu223= (NM_001199551.2); c.639C>T, p.Leu213= (NM_001199552.2, NM_001378491.1, NM_022094.3); c.678C>T, p.Leu226= (NM_001199623.2); c.417C>T, p.Leu139= (NM_001321143.2, NM_001321144.2).
Identifiers: ClinVar variation 4989057 (VCV004989057.1).

ClinVar aggregate classification (germline): Likely benign (1 of 4 stars; one submission).

Conditions:
CIDEC-related disorder. Also called: CIDEC-related condition.

gnomAD v4.1: 140 of 1,613,982 alleles (0.0087%); highest among the groups gnomAD compares: Non-Finnish European, 0.011%; no homozygotes.

Submission:

PreventionGenetics, part of Exact Sciences
Classification: Likely benign for CIDEC-related condition. Last evaluated: 2024-10-28. Review status: criteria provided, single submitter. Criteria: ACMG Guidelines, 2015. Collection method: clinical testing. Allele origin: germline.
Comment: This variant is classified as likely benign based on ACMG/AMP sequence variant interpretation guidelines (Richards et al. 2015 PMID: 25741868, with internal and published modifications).